The following is an entry in ClinVar:

NM_003140.3(SRY):c.301C>T (p.Leu101Phe)

Gene: SRY (sex determining region Y; minus strand). Cytogenetic location: Yp11.2.
Variant type: single nucleotide variant.
Coding change: c.301C>T on transcript NM_003140.3 (MANE Select); coding-DNA position 301, C replaced by T.
Protein change: p.Leu101Phe; replaces leucine 101 with phenylalanine.
Molecular consequence: missense variant.
Genome position (GRCh38, 1-based): chrY:2,787,303, G>A on the plus strand (C>T on the coding strand, the complement: SRY is on the minus strand). VCF-style: chrY-2787303-G-A. GRCh37 (hg19) VCF-style: chrY-2655344-G-A.
Other names: short protein forms L101F.
Identifiers: ClinVar variation 4795911 (VCV004795911.1).

ClinVar aggregate classification (germline): Likely pathogenic (1 of 4 stars; one submission).

Conditions:
46,XY sex reversal 1. Also called: SRY-related 46,XY complete gonadal dysgenesis; 46,XY SEX REVERSAL, SRY-RELATED. Identifiers: Orphanet 242, MedGen C2748896, MONDO:0020712, OMIM 400044.

Submission:

Variantyx, Inc.
Classification: Likely pathogenic for 46,XY sex reversal 1. Last evaluated: 2025-08-20. Review status: criteria provided, single submitter. Criteria: Variantyx Assertion Criteria 2022. Collection method: clinical testing. Allele origin: maternal. Inheritance: Y-linked inheritance.
Comment: This is a nonsynonymous variant in the SRY gene (OMIM: 480000). Pathogenic variants in this gene have been associated with Y-linked 46,XY complete gonadal dysgenesis (CGD) and 46,XY disorder of sex development (DSD). The clinical symptoms reported for this individual are highly specific for this disorder, which has a limited genetic etiology (PP4). An alternate amino acid change at this position (p.Leu101Val) has been previously reported in a similarly affected individual, which suggests that this residue is biologically important (PMID: 22889418) (PM5). Multiple computational algorithms predict a deleterious effect for this variant (REVEL score: 0.776) (PP3). This variant is absent from control populations (PM2), and has not been reported in individuals with SRY-related disorders in the databases available for review. Based on the current evidence, this variant is classified as likely pathogenic for Y-linked complete gonadal dysgenesis (CGD) and 46,XY disorder of sex development (DSD).

Literature cited by the submitters: PubMed 22889418.